The following is an entry in ClinVar:

ClinVar aggregate classification (germline): Uncertain significance (1 of 4 stars; one submission).

Conditions:
CEP164-related disorder. Also called: CEP164-related condition.

gnomAD v4.1: 1 of 1,614,084 alleles (0.000062%); highest among the groups gnomAD compares: Admixed American, 0.0017%; no homozygotes.

Submission:

PreventionGenetics, part of Exact Sciences
Classification: Uncertain significance for CEP164-related condition. Last evaluated: 2026-03-23. Review status: criteria provided, single submitter. Criteria: ACMG Guidelines, 2015. Collection method: clinical testing. Allele origin: germline.
Comment: The CEP164 c.2839G>A variant is predicted to result in the amino acid substitution p.Val947Ile. To our knowledge, this variant has not been reported in the literature. This variant is reported in 0.0029% of alleles in individuals of Latino descent in gnomAD. At this time, the clinical significance of this variant is uncertain due to the absence of conclusive functional and genetic evidence.

NM_014956.5(CEP164):c.2839G>A (p.Val947Ile)

Gene: CEP164 (centrosomal protein 164; plus strand). Cytogenetic location: 11q23.3.
Variant type: single nucleotide variant.
Coding change: c.2839G>A on transcript NM_014956.5 (MANE Select); coding-DNA position 2839, G replaced by A.
Protein change: p.Val947Ile; replaces valine 947 with isoleucine.
Molecular consequence: missense variant.
Genome position (GRCh38, 1-based): chr11:117,394,998, G>A. VCF-style: chr11-117394998-G-A. GRCh37 (hg19) VCF-style: chr11-117265714-G-A.
Other names: c.2848G>A, p.Val950Ile (NM_001271933.2, NM_001440949.1); c.2839G>A, p.Val947Ile (NM_001440950.1, NM_001440951.1, NM_001440953.1); c.2674G>A, p.Val892Ile (NM_001440952.1, NM_001440968.1, NM_001440969.1); c.2761G>A, p.Val921Ile (NM_001440954.1, NM_001440955.1, NM_001440958.1 and 1 more transcripts); c.2752G>A, p.Val918Ile (NM_001440956.1, NM_001440957.1); c.2710G>A, p.Val904Ile (NM_001440960.1); c.2701G>A, p.Val901Ile (NM_001440961.1, NM_001440967.1); c.2692G>A, p.Val898Ile (NM_001440962.1, NM_001440963.1, NM_001440964.1 and 4 more transcripts); and 7 more; short protein forms V877I, V892I, V894I, V901I, V851I, V872I, V904I, V918I.
Identifiers: ClinVar variation 4992841 (VCV004992841.1).